The following is an entry in ClinVar:

NM_000419.5(ITGA2B):c.2614C>A (p.Leu872Met)

Gene: ITGA2B (integrin subunit alpha 2b; minus strand). Cytogenetic location: 17q21.31.
Variant type: single nucleotide variant.
Coding change: c.2614C>A on transcript NM_000419.5 (MANE Select); coding-DNA position 2614, C replaced by A.
Protein change: p.Leu872Met; replaces leucine 872 with methionine.
Molecular consequence: missense variant.
Genome position (GRCh38, 1-based): chr17:44,375,704, G>T on the plus strand (C>A on the coding strand, the complement: ITGA2B is on the minus strand). VCF-style: chr17-44375704-G-T. GRCh37 (hg19) VCF-style: chr17-42453072-G-T.
Other names: c.2614C>A (LRG_479t1); short protein forms L872M.
Identifiers: ClinVar variation 323544 (VCV000323544.19), dbSNP rs149468422, ClinGen allele CA8602631.

ClinVar aggregate classification (germline): Benign. Review status: reviewed by expert panel (3 of 4 stars). 5 submissions from 5 submitters: Benign (1). 4 of the submissions do not count toward it. Last evaluated 2020-06-04.

Conditions:
Glanzmann thrombasthenia. Also called: PLATELET GLYCOPROTEIN IIb-IIIa DEFICIENCY; Thrombasthenia; Glanzmann's thrombasthenia; BLEEDING DISORDER, PLATELET-TYPE, 2; THROMBASTHENIA OF GLANZMANN AND NAEGELI. Identifiers: Orphanet 849, MedGen C0040015, MONDO:0100326.

Allele frequency attached by ClinVar (database versions not stated): gnomAD exomes 0.00067 and 0.00147; ExAC 0.00285; 1000 Genomes Project 0.00519; 1000 Genomes Project 30x 0.00531; gnomAD 0.00610 and 0.00662; ESP Exome Variant Server 0.00664; TOPMed 0.00685.
gnomAD v4.1: 1,920 of 1,585,784 alleles (0.12%); highest among the groups gnomAD compares: African/African-American, 2.2%; 22 homozygotes.

Submissions (5):

ClinGen Platelet Disorders Variant Curation Expert Panel, ClinGen
Classification: Benign for Glanzmann thrombasthenia. Last evaluated: 2020-06-04. Review status: reviewed by expert panel. Criteria: ClinGen Platelet ACMG Specifications v2. Collection method: curation. Allele origin: germline. Inheritance: Autosomal recessive inheritance.
Comment: The NM_000419.4:c.2614C>A variant that results in the Leu872Met amino acid change is reported at frequencies (2%; 0.02101 in the African subpopulation, with 5 homozygotes, in gnomAD) higher than the recommended threshold of 0.24%, in population databases. The variant is not reported in any GT patients in the literature. Experimental evidence suggests no impact to expression or function of the Î±IIbÎ²3 complex. Computation evidence also suggests no impact with a REVEL score of 0.136. In summary, based on the available evidence, the Leu872Met variant is classified as "benign". GT-specific criteria applied: BA1, BS3, and BP4.

Labcorp Genetics (formerly Invitae), Labcorp
Classification: Benign for Glanzmann thrombasthenia. Last evaluated: 2026-02-01. Review status: criteria provided, single submitter. Criteria: Invitae Variant Classification Sherloc (09022015). Collection method: clinical testing. Allele origin: germline. Not counted in ClinVar's aggregate classification.

Mayo Clinic Laboratories, Mayo Clinic
Classification: Benign. Last evaluated: 2025-04-08. Review status: criteria provided, single submitter. Criteria: ACMG Guidelines, 2015. Collection method: clinical testing. Allele origin: germline. Observed: 4 variant alleles. Not counted in ClinVar's aggregate classification.
Comment: BS2, BS3

Genetic Services Laboratory, University of Chicago
Classification: Likely benign. Last evaluated: 2020-06-10. Review status: criteria provided, single submitter. Criteria: ACMG Guidelines, 2015. Collection method: clinical testing. Allele origin: germline. Affected: no. Not counted in ClinVar's aggregate classification.

Illumina Laboratory Services, Illumina
Classification: Likely benign for Glanzmann thrombasthenia 1. Last evaluated: 2017-04-28. Review status: criteria provided, single submitter. Criteria: ICSL Variant Classification Criteria 13 December 2019. Collection method: clinical testing. Allele origin: germline. Not counted in ClinVar's aggregate classification.
Comment: This variant was observed as part of a predisposition screen in an ostensibly healthy population. A literature search was performed for the gene, cDNA change, and amino acid change (where applicable). Publications were found based on this search. The evidence from the literature, in combination with allele frequency data from public databases where available, was sufficient to determine this variant is unlikely to cause disease. Therefore, this variant is classified as likely benign.

Literature cited by the submitters: PubMed 22738334 (cited by ClinGen Platelet Disorders Variant Curation Expert Panel, ClinGen and Illumina Laboratory Services, Illumina); PubMed 25827233 (cited by Illumina Laboratory Services, Illumina); PubMed 18422845 (cited by Illumina Laboratory Services, Illumina).